The following is an entry in ClinVar:

NM_005787.6(ALG3):c.849C>T (p.Leu283=)

Gene: ALG3 (ALG3 alpha-1,3- mannosyltransferase; minus strand). Cytogenetic location: 3q27.1.
Variant type: single nucleotide variant.
Coding change: c.849C>T on transcript NM_005787.6 (MANE Select); coding-DNA position 849, C replaced by T.
Protein change: p.Leu283=; no amino-acid change (leucine 283 retained).
Molecular consequence: synonymous variant. On other transcripts: non-coding transcript variant (2).
Genome position (GRCh38, 1-based): chr3:184,243,874, G>A on the plus strand (C>T on the coding strand, the complement: ALG3 is on the minus strand). VCF-style: chr3-184243874-G-A. GRCh37 (hg19) VCF-style: chr3-183961662-G-A.
Other names: c.705C>T, p.Leu235= (NM_001006941.2); c.744C>T, p.Leu248= (NM_001006942.1).
Identifiers: ClinVar variation 2654312 (VCV002654312.24), dbSNP rs1560162887, ClinGen allele CA437327097.

ClinVar aggregate classification (germline): Likely benign (1 of 4 stars; one submission).

Submission:

CeGaT Center for Human Genetics Tuebingen
Classification: Likely benign. Last evaluated: 2023-04-01. Review status: criteria provided, single submitter. Criteria: CeGaT Center For Human Genetics Tuebingen Variant Classification Criteria Version 2. Collection method: clinical testing. Allele origin: germline. Affected: yes. Observed: 1 variant allele.
Comment: ALG3: PM2:Supporting, BP4, BP7